The following is an entry in ClinVar:

NM_001367549.1(ATP13A3):c.1900C>A (p.Arg634Ser)

Gene: ATP13A3 (ATPase 13A3; minus strand). Cytogenetic location: 3q29.
Variant type: single nucleotide variant.
Coding change: c.1900C>A on transcript NM_001367549.1 (MANE Select); coding-DNA position 1900, C replaced by A.
Protein change: p.Arg634Ser; replaces arginine 634 with serine.
Molecular consequence: missense variant. On other transcripts: non-coding transcript variant (2).
Genome position (GRCh38, 1-based): chr3:194,437,410, G>T on the plus strand (C>A on the coding strand, the complement: ATP13A3 is on the minus strand). VCF-style: chr3-194437410-G-T. GRCh37 (hg19) VCF-style: chr3-194158139-G-T.
Other names: c.1819C>A, p.Arg607Ser (NM_001374836.1); c.1900C>A, p.Arg634Ser (NM_024524.4); short protein forms R634S, R607S.
Identifiers: ClinVar variation 2023812 (VCV002023812.4), dbSNP rs779570755, ClinGen allele CA355803306.

ClinVar aggregate classification (germline): Uncertain significance (1 of 4 stars; one submission).

Submission:

Labcorp Genetics (formerly Invitae), Labcorp
Classification: Uncertain significance. Last evaluated: 2022-08-12. Review status: criteria provided, single submitter. Criteria: Invitae Variant Classification Sherloc (09022015). Collection method: clinical testing. Allele origin: germline.
Comment: In summary, the available evidence is currently insufficient to determine the role of this variant in disease. Therefore, it has been classified as a Variant of Uncertain Significance. Algorithms developed to predict the effect of missense changes on protein structure and function (SIFT, PolyPhen-2, Align-GVGD) all suggest that this variant is likely to be disruptive. This variant has not been reported in the literature in individuals affected with ATP13A3-related conditions. This variant is not present in population databases (gnomAD no frequency). This sequence change replaces arginine, which is basic and polar, with serine, which is neutral and polar, at codon 634 of the ATP13A3 protein (p.Arg634Ser).